The following is an entry in ClinVar:

ClinVar aggregate classification (germline): Likely pathogenic (1 of 4 stars; one submission).

Conditions:
Oculocutaneous albinism type 1. Also called: Albinism 1; ALBINISM I. Identifiers: Orphanet 352731, MedGen C0268494, MONDO:0018135. Disease mechanism: loss of function.

Submission:

Myriad Genetics, Inc.
Classification: Likely pathogenic for Oculocutaneous albinism type 1. Last evaluated: 2026-07-20. Review status: criteria provided, single submitter. Criteria: Myriad Autosomal Dominant, Autosomal Recessive and X-Linked Classification Criteria (2023). Collection method: clinical testing. Allele origin: unknown.
Comment: NM_000372.4(TYR):c.1108A>G(M370V) is a missense variant classified as likely pathogenic in the context of oculocutaneous albinism, TYR-related. M370V has been observed in a case with relevant disease (PMID: 24641678). Relevant functional assessments of this variant are not available in the literature. M370V has not been observed in referenced population frequency databases. In summary, NM_000372.4(TYR):c.1108A>G(M370V) is a missense variant that has internal structural support for pathogenicity and has been observed more frequently in cases with the relevant disease than in healthy populations. Please note: this variant was assessed in the context of healthy population screening.

Literature cited by the submitters: PubMed 24641678.

NM_000372.5(TYR):c.1108A>G (p.Met370Val)

Gene: TYR (tyrosinase; plus strand). Cytogenetic location: 11q14.3.
Variant type: single nucleotide variant.
Coding change: c.1108A>G on transcript NM_000372.5 (MANE Select); coding-DNA position 1108, A replaced by G.
Protein change: p.Met370Val; replaces methionine 370 with valine.
Molecular consequence: missense variant.
Genome position (GRCh38, 1-based): chr11:89,227,894, A>G. VCF-style: chr11-89227894-A-G. GRCh37 (hg19) VCF-style: chr11-88961062-A-G.
Other names: short protein forms M370V.
Identifiers: ClinVar variation 5003958 (VCV005003958.1).